The following is an entry in ClinVar:

NM_000327.4(ROM1):c.63C>T (p.Leu21=)

Gene: ROM1 (retinal outer segment membrane protein 1; plus strand). Cytogenetic location: 11q12.3.
Variant type: single nucleotide variant.
Coding change: c.63C>T on transcript NM_000327.4 (MANE Select); coding-DNA position 63, C replaced by T.
Protein change: p.Leu21=; no amino-acid change (leucine 21 retained).
Molecular consequence: synonymous variant.
Genome position (GRCh38, 1-based): chr11:62,613,344, C>T. VCF-style: chr11-62613344-C-T. GRCh37 (hg19) VCF-style: chr11-62380816-C-T.
Other names: c.63C>T (NM_000327.3).
Identifiers: ClinVar variation 1158091 (VCV001158091.12), dbSNP rs186331143, ClinGen allele CA6049637.

ClinVar aggregate classification (germline): Likely benign. Review status: criteria provided, multiple submitters, no conflicts (2 of 4 stars). 3 submissions from 3 submitters: Likely benign (2). 1 of the submissions does not count toward it. Last evaluated 2024-12-26.

Conditions:
ROM1-related disorder. Also called: ROM1-related condition.

Allele frequency attached by ClinVar (database versions not stated): gnomAD exomes 0.00001 and 0.00005; ExAC 0.00007; ESP Exome Variant Server 0.00008; gnomAD 0.00015 and 0.00016; 1000 Genomes Project 0.00020; TOPMed 0.00022; 1000 Genomes Project 30x 0.00031.
gnomAD v4.1: 40 of 1,613,484 alleles (0.0025%); highest among the groups gnomAD compares: African/African-American, 0.037%; no homozygotes.

Submissions (3):

Labcorp Genetics (formerly Invitae), Labcorp
Classification: Likely benign. Last evaluated: 2024-12-26. Review status: criteria provided, single submitter. Criteria: Invitae Variant Classification Sherloc (09022015). Collection method: clinical testing. Allele origin: germline.

Blueprint Genetics
Classification: Likely benign. Last evaluated: 2021-11-11. Review status: criteria provided, single submitter. Criteria: ACMG Guidelines, 2015. Collection method: clinical testing. Allele origin: germline.

PreventionGenetics, part of Exact Sciences
Classification: Likely benign for ROM1-related condition. Last evaluated: 2020-01-03. Review status: no assertion criteria provided. Collection method: clinical testing. Allele origin: germline. Not counted in ClinVar's aggregate classification.
Comment: This variant is classified as likely benign based on ACMG/AMP sequence variant interpretation guidelines (Richards et al. 2015 PMID: 25741868, with internal and published modifications).